The following is an entry in ClinVar:

NM_004523.4(KIF11):c.789+1G>T

Gene: KIF11 (kinesin family member 11; plus strand). Cytogenetic location: 10q23.33.
Variant type: single nucleotide variant.
Coding change: c.789+1G>T on transcript NM_004523.4 (MANE Select); the canonical splice donor site of the intron after coding-DNA position 789, G replaced by T.
Molecular consequence: splice donor variant.
Genome position (GRCh38, 1-based): chr10:92,613,131, G>T. VCF-style: chr10-92613131-G-T. GRCh37 (hg19) VCF-style: chr10-94372888-G-T.
Identifiers: ClinVar variation 1338798 (VCV001338798.1), dbSNP rs2135904919, ClinGen allele CA377590167.

ClinVar aggregate classification (germline): Likely pathogenic (1 of 4 stars; one submission).

Conditions:
Microcephaly with or without chorioretinopathy, lymphedema, or impaired intellectual development. Also called: Microcephaly with or without chorioretinopathy, lymphedema, or intellectual disability; Microcephaly with or without chorioretinopathy, lymphedema, or mental retardation; Microcephaly lymphedema chorioretinal dysplasia; MICROCEPHALY AND CHORIORETINOPATHY WITH OR WITHOUT MENTAL RETARDATION, AUTOSOMAL DOMINANT; MICROCEPHALY, LYMPHEDEMA, CHORIORETINAL DYSPLASIA SYNDROME. Identifiers: Orphanet 2526, MedGen C1835265, MONDO:0007918, OMIM 152950.

Submission:

Institute of Human Genetics, University of Leipzig Medical Center
Classification: Likely pathogenic for Microcephaly with or without chorioretinopathy, lymphedema, or impaired intellectual development. Last evaluated: 2022-01-18. Review status: criteria provided, single submitter. Criteria: ACMG Guidelines, 2015. Collection method: clinical testing. Allele origin: unknown. Affected: yes.
Comment: _x000D_ Criteria applied: PVS1, PM2_SUP